The following is an entry in ClinVar:

NM_001854.4(COL11A1):c.4243C>G (p.Pro1415Ala)

Gene: COL11A1 (collagen type XI alpha 1 chain; minus strand). Cytogenetic location: 1p21.1.
Variant type: single nucleotide variant.
Coding change: c.4243C>G on transcript NM_001854.4 (MANE Select); coding-DNA position 4243, C replaced by G.
Protein change: p.Pro1415Ala; replaces proline 1415 with alanine.
Molecular consequence: missense variant. On other transcripts: non-coding transcript variant (1).
Genome position (GRCh38, 1-based): chr1:102,898,671, G>C on the plus strand (C>G on the coding strand, the complement: COL11A1 is on the minus strand). VCF-style: chr1-102898671-G-C. GRCh37 (hg19) VCF-style: chr1-103364227-G-C.
Other names: c.4126C>G, p.Pro1376Ala (NM_001190709.2); c.4279C>G, p.Pro1427Ala (NM_080629.3); c.3895C>G, p.Pro1299Ala (NM_080630.4); short protein forms P1427A, P1299A, P1376A, P1415A.
Identifiers: ClinVar variation 1493974 (VCV001493974.8), dbSNP rs2100922475, ClinGen allele CA341155252.

ClinVar aggregate classification (germline): Uncertain significance (1 of 4 stars; one submission).

Allele frequency attached by ClinVar (database versions not stated): gnomAD exomes below 0.00001.
gnomAD v4.1: 4 of 1,611,528 alleles (0.00025%); highest among the groups gnomAD compares: Non-Finnish European, 0.00034%; no homozygotes.

Submission:

Labcorp Genetics (formerly Invitae), Labcorp
Classification: Uncertain significance. Last evaluated: 2021-08-18. Review status: criteria provided, single submitter. Criteria: Invitae Variant Classification Sherloc (09022015). Collection method: clinical testing. Allele origin: germline.
Comment: In summary, the available evidence is currently insufficient to determine the role of this variant in disease. Therefore, it has been classified as a Variant of Uncertain Significance. Advanced modeling of protein sequence and biophysical properties (such as structural, functional, and spatial information, amino acid conservation, physicochemical variation, residue mobility, and thermodynamic stability) performed at Invitae indicates that this missense variant is not expected to disrupt COL11A1 protein function. This variant has not been reported in the literature in individuals with COL11A1-related conditions. This sequence change replaces proline with alanine at codon 1415 of the COL11A1 protein (p.Pro1415Ala). The proline residue is highly conserved and there is a small physicochemical difference between proline and alanine. This variant is not present in population databases (ExAC no frequency).